The following is an entry in ClinVar:

ClinVar aggregate classification (germline): Uncertain significance. Review status: criteria provided, multiple submitters, no conflicts (2 of 4 stars). 2 submissions from 2 submitters: Uncertain significance (2). Last evaluated 2022-08-21.

Conditions:
Combined immunodeficiency due to DOCK8 deficiency (HIES2). Also called: HIES autosomal recessive; DOCK8 Deficiency; HYPER-IgE RECURRENT INFECTION SYNDROME 2, AUTOSOMAL RECESSIVE; HYPER-IgE SYNDROME 2, AUTOSOMAL RECESSIVE, WITH RECURRENT INFECTIONS; Hyper-IgE recurrent infection syndrome, autosomal recessive. Identifiers: Orphanet 217390, MedGen C4722305, MONDO:0009478, OMIM 243700.

Allele frequency attached by ClinVar (database versions not stated): ExAC 0.00001.
gnomAD v4.1: 2 of 1,613,192 alleles (0.00012%); highest among the groups gnomAD compares: Non-Finnish European, 0.00017%; no homozygotes.

Submissions (2):

Labcorp Genetics (formerly Invitae), Labcorp
Classification: Uncertain significance for Combined immunodeficiency due to DOCK8 deficiency. Last evaluated: 2022-08-21. Review status: criteria provided, single submitter. Criteria: Invitae Variant Classification Sherloc (09022015). Collection method: clinical testing. Allele origin: germline.
Comment: In summary, the available evidence is currently insufficient to determine the role of this variant in disease. Therefore, it has been classified as a Variant of Uncertain Significance. Algorithms developed to predict the effect of missense changes on protein structure and function are either unavailable or do not agree on the potential impact of this missense change (SIFT: "Deleterious"; PolyPhen-2: "Possibly Damaging"; Align-GVGD: "Class C0"). This variant has not been reported in the literature in individuals affected with DOCK8-related conditions. This variant is not present in population databases (gnomAD no frequency). This sequence change replaces valine, which is neutral and non-polar, with glutamic acid, which is acidic and polar, at codon 1596 of the DOCK8 protein (p.Val1596Glu).

Blueprint Genetics
Classification: Uncertain significance. Last evaluated: 2020-07-23. Review status: criteria provided, single submitter. Criteria: ACMG Guidelines, 2015. Collection method: clinical testing. Allele origin: germline.

NM_203447.4(DOCK8):c.4787T>A (p.Val1596Glu)

Gene: DOCK8 (dedicator of cytokinesis 8; plus strand). Cytogenetic location: 9p24.3.
Variant type: single nucleotide variant.
Coding change: c.4787T>A on transcript NM_203447.4 (MANE Select); coding-DNA position 4787, T replaced by A.
Protein change: p.Val1596Glu; replaces valine 1596 with glutamic acid.
Molecular consequence: missense variant.
Genome position (GRCh38, 1-based): chr9:433,876, T>A. VCF-style: chr9-433876-T-A. GRCh37 (hg19) VCF-style: chr9-433876-T-A.
Other names: c.4487T>A, p.Val1496Glu (NM_001190458.2); c.4583T>A, p.Val1528Glu (NM_001193536.2); short protein forms V1496E, V1528E, V1596E.
Identifiers: ClinVar variation 1715837 (VCV001715837.7), dbSNP rs774602558, ClinGen allele CA4959211.